The following is an entry in ClinVar:

ClinVar aggregate classification (germline): Uncertain significance (1 of 4 stars; one submission).

Conditions:
Neurodevelopmental disorder with seizures, hypotonia, and brain imaging abnormalities. Identifiers: MedGen C5394517, MONDO:0030063, OMIM 618922.

Submission:

Illumina Laboratory Services, Illumina
Classification: Uncertain significance for Neurodevelopmental disorder with seizures, hypotonia, and brain imaging abnormalities. Last evaluated: 2023-12-01. Review status: criteria provided, single submitter. Criteria: ISL SNV Classification Criteria 03 February 2026. Collection method: clinical testing. Allele origin: unknown.
Comment: The GRM7 c.584_586del p.(Phe195del) variant results in an in-frame deletion. To our knowledge, this variant has not been reported in the peer-reviewed literature. This variant is located in the ligand binding domain (PMID:37003303) and is not observed at a significant frequency in version 2.1.1 or version 4.0.0 of the Genome Aggregation Database. Based on the available evidence, the c.584_586del p.(Phe195del) variant is classified as a variant of uncertain significance for neurodevelopmental disorder with seizures, hypotonia, and brain abnormalities.

Literature cited by the submitters: PubMed 37003303.

NM_000844.4(GRM7):c.581TCT[1] (p.Phe195del)

Gene: GRM7 (glutamate metabotropic receptor 7; plus strand). Cytogenetic location: 3p26.1.
Variant type: Microsatellite.
Coding change: c.581TCT[1] on transcript NM_000844.4 (MANE Select); one copy of the 3-base unit TCT starting at c.581; the reference has two copies in a row; one copy, 3 bases deleted.
Protein change: p.Phe195del; deletes phenylalanine 195.
Genome position (GRCh38, 1-based): chr3:7,146,516-7,146,518, TCT deleted; deleting any 3 consecutive bases within chr3:7,146,511-7,146,518 gives the same sequence; the position shown is the placement nearest the transcript's 3' end. VCF-style (leftmost placement, unchanged base first): chr3-7146510-ACTT-A. GRCh37 (hg19) VCF-style: chr3-7188197-ACTT-A.
Other names: c.581TCT[1], p.Phe195del (NM_181874.3); short protein forms F195del.
Identifiers: ClinVar variation 4759456 (VCV004759456.1).
Genomic context (GRCh38, chr3:7,146,510, plus strand): 5'-AGATCCCCCAGATTAGTTATGCATCAACGGCACCCGAGCTAAGTGATGACCGGCGCTATG[ACTT>A]CTTCTCTCGCGTGGTGCCACCCGATTCCTTCCAAGCCCAGGCCATGGTAGACATTGTAAA-3'